The following is an entry in ClinVar:

ClinVar aggregate classification (germline): Uncertain significance. Review status: criteria provided, multiple submitters, no conflicts (2 of 4 stars). 3 submissions from 3 submitters: Uncertain significance (3). Last evaluated 2024-12-17.

Conditions:
Autosomal recessive limb-girdle muscular dystrophy type 2L (LGMDR12). Also called: Limb-girdle muscular dystrophy, type 2L; Limb-Girdle Muscular Dystrophy R12 Anoctamin-5-Related (LGMD-R12); MUSCULAR DYSTROPHY, LIMB-GIRDLE, AUTOSOMAL RECESSIVE 12. Identifiers: Orphanet 206549, MedGen C1969785, MONDO:0012652, OMIM 611307.
Gnathodiaphyseal dysplasia (GDD). Also called: GNATHODIAPHYSEAL SCLEROSIS; OSTEOGENESIS IMPERFECTA WITH UNUSUAL SKELETAL LESIONS. Identifiers: Orphanet 53697, MedGen C1833736, MONDO:0008151, OMIM 166260.

Allele frequency attached by ClinVar (database versions not stated): ExAC 0.00001; gnomAD exomes 0.00001; TOPMed 0.00001.
gnomAD v4.1: 4 of 1,612,900 alleles (0.00025%); highest among the groups gnomAD compares: Non-Finnish European, 0.00034%; no homozygotes.

Submissions (3):

Labcorp Genetics (formerly Invitae), Labcorp
Classification: Uncertain significance for Autosomal recessive limb-girdle muscular dystrophy type 2L; Gnathodiaphyseal dysplasia. Last evaluated: 2024-12-17. Review status: criteria provided, single submitter. Criteria: Invitae Variant Classification Sherloc (09022015). Collection method: clinical testing. Allele origin: germline.
Comment: This sequence change replaces isoleucine, which is neutral and non-polar, with asparagine, which is neutral and polar, at codon 456 of the ANO5 protein (p.Ile456Asn). This variant is present in population databases (rs748907726, gnomAD 0.002%). This missense change has been observed in individual(s) with clinical features of limb-girdle muscular dystrophy (PMID: 30564623). ClinVar contains an entry for this variant (Variation ID: 285303). Invitae Evidence Modeling of protein sequence and biophysical properties (such as structural, functional, and spatial information, amino acid conservation, physicochemical variation, residue mobility, and thermodynamic stability) has been performed for this missense variant. However, the output from this modeling did not meet the statistical confidence thresholds required to predict the impact of this variant on ANO5 protein function. In summary, the available evidence is currently insufficient to determine the role of this variant in disease. Therefore, it has been classified as a Variant of Uncertain Significance.

Revvity Omics, Revvity
Classification: Uncertain significance. Last evaluated: 2023-12-05. Review status: criteria provided, single submitter. Criteria: ACMG Guidelines, 2015. Collection method: clinical testing. Allele origin: germline.

Eurofins Ntd Llc (ga)
Classification: Uncertain significance. Last evaluated: 2015-12-17. Review status: criteria provided, single submitter. Criteria: EGL Classification Definitions 2015. Collection method: clinical testing. Allele origin: germline. Observed: 1 variant allele, 1 heterozygote.

Literature cited by the submitters: PubMed 30564623 (cited by Labcorp Genetics (formerly Invitae), Labcorp).

NM_213599.3(ANO5):c.1367T>A (p.Ile456Asn)

Gene: ANO5 (anoctamin 5; plus strand). Cytogenetic location: 11p14.3.
Variant type: single nucleotide variant.
Coding change: c.1367T>A on transcript NM_213599.3 (MANE Select); coding-DNA position 1367, T replaced by A.
Protein change: p.Ile456Asn; replaces isoleucine 456 with asparagine.
Molecular consequence: missense variant.
Genome position (GRCh38, 1-based): chr11:22,257,714, T>A. VCF-style: chr11-22257714-T-A. GRCh37 (hg19) VCF-style: chr11-22279260-T-A.
Other names: c.1367T>A (NM_213599.2); c.1364T>A, p.Ile455Asn (NM_001142649.2); short protein forms I456N, I455N.
Identifiers: ClinVar variation 285303 (VCV000285303.10), dbSNP rs748907726, ClinGen allele CA5923230.